The following is an entry in ClinVar:

ClinVar aggregate classification (germline): Likely benign (1 of 4 stars; one submission).

Submission:

CeGaT Center for Human Genetics Tuebingen
Classification: Likely benign. Last evaluated: 2025-04-01. Review status: criteria provided, single submitter. Criteria: CeGaT Center For Human Genetics Tuebingen Variant Classification Criteria Version 2. Collection method: clinical testing. Allele origin: germline. Affected: yes. Observed: 1 variant allele.
Comment: DSPP: BP4, BP7

NM_014208.3(DSPP):c.3510C>T (p.Asp1170=)

Genes: DMP1-AS1 (DMP1 and DSPP antisense RNA 1; minus strand), DSPP (dentin sialophosphoprotein; plus strand). Cytogenetic location: 4q22.1.
Variant type: single nucleotide variant.
Coding change: c.3510C>T on transcript NM_014208.3 (MANE Select); coding-DNA position 3510, C replaced by T.
Protein change: p.Asp1170=; no amino-acid change (aspartic acid 1170 retained).
Molecular consequence: synonymous variant.
Genome position (GRCh38, 1-based): chr4:87,616,172, C>T. VCF-style: chr4-87616172-C-T. GRCh37 (hg19) VCF-style: chr4-88537324-C-T.
Identifiers: ClinVar variation 3898078 (VCV003898078.7).